The following is an entry in ClinVar:

NM_000540.3(RYR1):c.8561G>T (p.Gly2854Val)

Genes: RYR1 (ryanodine receptor 1; plus strand), LOC126862902 (BRD4-independent group 4 enhancer GRCh37_chr19:38995830-38997029; plus strand). Cytogenetic location: 19q13.2.
Variant type: single nucleotide variant.
Coding change: c.8561G>T on transcript NM_000540.3 (MANE Select); coding-DNA position 8561, G replaced by T.
Protein change: p.Gly2854Val; replaces glycine 2854 with valine.
Molecular consequence: missense variant.
Genome position (GRCh38, 1-based): chr19:38,506,322, G>T. VCF-style: chr19-38506322-G-T. GRCh37 (hg19) VCF-style: chr19-38996962-G-T.
Other names: c.8561G>T, p.Gly2854Val (NM_001042723.2); short protein forms G2854V.
Identifiers: ClinVar variation 3385478 (VCV003385478.1).
Genomic context (GRCh38, chr19:38,506,322, plus strand): 5'-AGCCCATCAGCCCACCTCCCATCTTCCCCTTGTCCTCTCAGACCTATGATCCTCGAGAAG[G>T]CTACAACCCTCAGCCCCCCGACCTTAGTGCTGTTACCCTGTCCCGGGAGCTGCAGGTGAG-3'
Protein context (NP_000531.2, residues 2844-2864): QSAQTYDPRE[Gly2854Val]YNPQPPDLSA

ClinVar aggregate classification (germline): Uncertain significance (1 of 4 stars; one submission).

Conditions:
Malignant hyperthermia, susceptibility to, 1 (MHS1). Also called: Anesthesia related hyperthermia; Malignant hyperpyrexia; Fulminating hyperpyrexia; Pharmacogenic myopathy; Malignant hyperthermia suceptibility 1; RYR1-Related Malignant Hyperthermia Susceptibility. Identifiers: Orphanet 423, MedGen C2930980, MONDO:0007783, OMIM 145600.

gnomAD v4.1: 1 of 1,613,694 alleles (0.000062%); highest among the groups gnomAD compares: Non-Finnish European, 0.000085%; no homozygotes.

Submission:

All of Us Research Program, National Institutes of Health
Classification: Uncertain significance for Malignant hyperthermia, susceptibility to, 1. Last evaluated: 2024-09-23. Review status: criteria provided, single submitter. Criteria: ACMG Guidelines, 2015. Collection method: clinical testing. Allele origin: germline. Inheritance: Autosomal dominant inheritance. Observed: 1 variant allele, 1 heterozygote.
Comment: This study involves interpretation of variants in research participants for the purpose of population health screening. Participant phenotype was not available at the time of variant classification. Additional details can be found in publication PMID: 35346344, PMCID: PMC8962531